The following is an entry in ClinVar:

NM_015559.3(SETBP1):c.3957G>A (p.Met1319Ile)

Gene: SETBP1 (SET binding protein 1; plus strand). Cytogenetic location: 18q12.3.
Variant type: single nucleotide variant.
Coding change: c.3957G>A on transcript NM_015559.3 (MANE Select); coding-DNA position 3957, G replaced by A.
Protein change: p.Met1319Ile; replaces methionine 1319 with isoleucine.
Molecular consequence: missense variant.
Genome position (GRCh38, 1-based): chr18:44,953,297, G>A. VCF-style: chr18-44953297-G-A. GRCh37 (hg19) VCF-style: chr18-42533262-G-A.
Other names: c.3957G>A, p.Met1319Ile (NM_001379141.1, NM_001379142.1); short protein forms M1319I.
Identifiers: ClinVar variation 1321406 (VCV001321406.1), dbSNP rs2145116923, ClinGen allele CA402325563.

ClinVar aggregate classification (germline): Uncertain significance (1 of 4 stars; one submission).

Submission:

Women's Health and Genetics/Laboratory Corporation of America, LabCorp
Classification: Uncertain significance. Last evaluated: 2021-10-22. Review status: criteria provided, single submitter. Criteria: LabCorp Variant Classification Summary - May 2015. Collection method: clinical testing. Allele origin: germline.
Comment: Variant summary: SETBP1 c.3957G>A (p.Met1319Ile) results in a conservative amino acid change in the encoded protein sequence. Five of five in-silico tools predict a benign effect of the variant on protein function. The variant was absent in 249198 control chromosomes. The available data on variant occurrences in the general population are insufficient to allow any conclusion about variant significance. To our knowledge, no occurrence of c.3957G>A in individuals affected with SETBP1-Related Disorders and no experimental evidence demonstrating its impact on protein function have been reported. No clinical diagnostic laboratories have submitted clinical-significance assessments for this variant to ClinVar after 2014. Based on the evidence outlined above, the variant was classified as uncertain significance.